The following is an entry in ClinVar:

ClinVar aggregate classification (germline): Likely pathogenic (1 of 4 stars; one submission).

Conditions:
Fabry disease. Also called: ALPHA-GALACTOSIDASE A DEFICIENCY; ANDERSON-FABRY DISEASE; CERAMIDE TRIHEXOSIDASE DEFICIENCY; GLA DEFICIENCY; HEREDITARY DYSTOPIC LIPIDOSIS; Angiokeratoma corporis diffusum. Identifiers: Orphanet 324, MedGen C0002986, MONDO:0010526, OMIM 301500, HP:0001071. Disease mechanism: Fabry disease is due to inactivating mutations in the X-linked GLA gene resulting in deficiency of the enzyme Alpha Galactosidase-A., loss of function.

Submission:

Genomenon, Inc
Classification: Likely pathogenic for Fabry disease. Last evaluated: 2026-09-08. Review status: criteria provided, single submitter. Criteria: Genomenon Sequence Variant Interpretation Standards - Updated. Collection method: curation. Allele origin: germline. Affected: yes.
Comment: GLA p.Thr282Ala (c.844A>G) is a missense variant that changes the amino acid at codon 282 from Threonine to Alanine. This variant has been observed in at least one proband with clinical features consistent with Fabry disease (PMID:18205205). The variant was found to segregate with disease in at least one affected family (PMID:18205205). At least one functional study has demonstrated a substantial alteration in protein function relative to the wild-type (PMID:27657681;18205205). It is absent or not present at a significant frequency in gnomAD. In conclusion, we classify GLA p.Thr282Ala (c.844A>G) as a likely pathogenic variant.

Literature cited by the submitters: PubMed 18205205; PubMed 27657681.

NM_000169.3(GLA):c.844A>G (p.Thr282Ala)

Genes: GLA (galactosidase alpha; minus strand), RPL36A-HNRNPH2 (RPL36A-HNRNPH2 readthrough; plus strand). Cytogenetic location: Xq22.1.
Variant type: single nucleotide variant.
Coding change: c.844A>G on transcript NM_000169.3 (MANE Select); coding-DNA position 844, A replaced by G.
Protein change: p.Thr282Ala; replaces threonine 282 with alanine.
Molecular consequence: missense variant. On other transcripts: non-coding transcript variant (3), intron variant (2).
Genome position (GRCh38, 1-based): chrX:101,398,525, T>C on the plus strand (A>G on the coding strand, the complement: GLA is on the minus strand). VCF-style: chrX-101398525-T-C. GRCh37 (hg19) VCF-style: chrX-100653513-T-C.
Other names: c.967A>G, p.Thr323Ala (NM_001406747.1); c.844A>G, p.Thr282Ala (NM_001406748.1); c.300+3068T>C (NM_001199973.2); c.177+6703T>C (NM_001199974.2); short protein forms T282A, T323A.
Identifiers: ClinVar variation 4087545 (VCV004087545.2).